The following is an entry in ClinVar:

NM_000064.4(C3):c.3269T>C (p.Val1090Ala)

Gene: C3 (complement C3; minus strand). Cytogenetic location: 19p13.3.
Variant type: single nucleotide variant.
Coding change: c.3269T>C on transcript NM_000064.4 (MANE Select); coding-DNA position 3269, T replaced by C.
Protein change: p.Val1090Ala; replaces valine 1090 with alanine.
Molecular consequence: missense variant.
Genome position (GRCh38, 1-based): chr19:6,693,045, A>G on the plus strand (T>C on the coding strand, the complement: C3 is on the minus strand). VCF-style: chr19-6693045-A-G. GRCh37 (hg19) VCF-style: chr19-6693056-A-G.
Other names: short protein forms V1090A.
Identifiers: ClinVar variation 4280192 (VCV004280192.1).
Genomic context (GRCh38, chr19:6,693,045, plus strand): 5'-TCCAGGATCAGCCATTTAACAGCCCCGCAGAGGACTTGGGAGTCGATGGCGATGAGGTTG[A>G]CAGCCAGAGAGAAGACCTTGACCACGTAGGCGGTCAGCCTGGAGTGGGCACAGAGCATGA-3'
Protein context (NP_000055.2, residues 1080-1100): AYVVKVFSLA[Val1090Ala]NLIAIDSQVL

ClinVar aggregate classification (germline): Uncertain significance (1 of 4 stars; one submission).

Conditions:
Complement component 3 deficiency. Identifiers: Orphanet 280133, MedGen C3151071, MONDO:0013417, OMIM 613779.
C3 glomerulonephritis. Also called: Nephropathy due to CFHR5 Deficiency; C3 GLOMERULOPATHY 3. Identifiers: Orphanet 329931, MedGen C4055342, MONDO:0013892, OMIM 614809.
Atypical hemolytic-uremic syndrome. Identifiers: Orphanet 2134, MedGen C2931788, MONDO:0016244.

Submission:

Genomenon, Inc
Classification: Uncertain significance for Complement component 3 deficiency; C3 glomerulonephritis; Atypical hemolytic-uremic syndrome. Last evaluated: 2025-09-30. Review status: criteria provided, single submitter. Criteria: Genomenon Sequence Variant Interpretation Standards. Collection method: curation. Allele origin: germline. Affected: no.
Comment: C3 p.Val1090Ala (c.3269T>C) is a missense variant that changes the amino acid at residue 1090 from Valine to Alanine. This variant has been reported in the published literature (PMID:11034390). It is absent or not present at a significant frequency in gnomAD. In silico models agree that this variant is not damaging. In conclusion, we classify C3 p.Val1090Ala (c.3269T>C) as a variant of unknown significance.

Literature cited by the submitters: PubMed 11034390.